The following is an entry in ClinVar:

NM_000053.4(ATP7B):c.1677C>A (p.Tyr559Ter)

Gene: ATP7B (ATPase copper transporting beta; minus strand). Cytogenetic location: 13q14.3.
Variant type: single nucleotide variant.
Coding change: c.1677C>A on transcript NM_000053.4 (MANE Select); coding-DNA position 1677, C replaced by A.
Protein change: p.Tyr559Ter; replaces tyrosine 559 with a stop codon.
Molecular consequence: nonsense.
Genome position (GRCh38, 1-based): chr13:51,968,474, G>T on the plus strand (C>A on the coding strand, the complement: ATP7B is on the minus strand). VCF-style: chr13-51968474-G-T. GRCh37 (hg19) VCF-style: chr13-52542610-G-T.
Other names: c.1677C>A, p.Tyr559Ter (NM_001005918.3, NM_001330578.2, NM_001330579.2); c.1344C>A, p.Tyr448Ter (NM_001243182.2); short protein forms Y448*, Y559*.
Identifiers: ClinVar variation 1163360 (VCV001163360.8), dbSNP rs142187604, ClinGen allele CA388032732.

ClinVar aggregate classification (germline): Pathogenic. Review status: criteria provided, multiple submitters, no conflicts (2 of 4 stars). 3 submissions from 3 submitters: Pathogenic (3). Last evaluated 2023-11-02.

Conditions:
Wilson disease (WND). Also called: Wilson's disease. Identifiers: Orphanet 905, MedGen C0019202, MONDO:0010200, OMIM 277900. Disease mechanism: loss of function.

Submissions (3):

All of Us Research Program, National Institutes of Health
Classification: Pathogenic for Wilson disease. Last evaluated: 2023-11-02. Review status: criteria provided, single submitter. Criteria: ACMG Guidelines, 2015. Collection method: clinical testing. Allele origin: germline. Inheritance: Autosomal recessive inheritance. Observed: 1 variant allele, 1 heterozygote.
Comment: This variant changes 1 nucleotide in exon 4 of the ATP7B gene, creating a premature translation stop signal. This variant is expected to result in an absent or non-functional protein product. To our knowledge, this variant has not been reported in individuals affected with Wilson disease in the literature. This variant has not been identified in the general population by the Genome Aggregation Database (gnomAD). Loss of ATP7B function is a known mechanism of disease. Based on the available evidence, this variant is classified as Pathogenic.

This study involves interpretation of variants in research participants for the purpose of population health screening. Participant phenotype was not available at the time of variant classification. Additional details can be found in publication PMID: 35346344, PMCID: PMC8962531

Genome-Nilou Lab
Classification: Pathogenic for Wilson disease. Last evaluated: 2021-08-10. Review status: criteria provided, single submitter. Criteria: ACMG Guidelines, 2015. Collection method: clinical testing. Allele origin: germline. Affected: no.

Mayo Clinic Laboratories, Mayo Clinic
Classification: Pathogenic. Last evaluated: 2019-06-18. Review status: criteria provided, single submitter. Criteria: ACMG Guidelines, 2015. Collection method: clinical testing. Allele origin: germline. Observed: 1 variant allele.
Comment: PVS1, PM2, PP4